The following is an entry in ClinVar:

NM_000702.4(ATP1A2):c.2636G>A (p.Arg879Gln)

Gene: ATP1A2 (ATPase Na+/K+ transporting subunit alpha 2; plus strand). Cytogenetic location: 1q23.2.
Variant type: single nucleotide variant.
Coding change: c.2636G>A on transcript NM_000702.4 (MANE Select); coding-DNA position 2636, G replaced by A.
Protein change: p.Arg879Gln; replaces arginine 879 with glutamine.
Molecular consequence: missense variant.
Genome position (GRCh38, 1-based): chr1:160,136,642, G>A. VCF-style: chr1-160136642-G-A. GRCh37 (hg19) VCF-style: chr1-160106432-G-A.
Other names: short protein forms R879Q.
Identifiers: ClinVar variation 238168 (VCV000238168.16), dbSNP rs761597771, ClinGen allele CA1194803.
Genomic context (GRCh38, chr1:160,136,642, plus strand): 5'-CACTGGGTGGCTTCTTCACCTACTTTGTGATCCTGGCAGAGAACGGTTTCCTGCCATCAC[G>A]GCTACTGGGAATCCGCCTCGACTGGGATGACCGGACCATGAATGATCTGGAGGACAGCTA-3'
Protein context (NP_000693.1, residues 869-889): ILAENGFLPS[Arg879Gln]LLGIRLDWDD

ClinVar aggregate classification (germline): Likely benign. Review status: criteria provided, multiple submitters, no conflicts (2 of 4 stars). 4 submissions from 4 submitters: Likely benign (3). 1 of the submissions does not count toward it. Last evaluated 2024-03-02.

Conditions:
ATP1A2-related disorder. Also called: ATP1A2-related condition; ATP1A2-RELATED DISORDERS.
Familial hemiplegic migraine. Identifiers: MedGen C0338484, MONDO:0000700.
Inborn genetic diseases. Identifiers: MedGen C0950123, MeSH D030342.

Allele frequency attached by ClinVar (database versions not stated): gnomAD 0.00001; TOPMed 0.00002; ExAC 0.00004; gnomAD exomes 0.00007.
gnomAD v4.1: 69 of 1,614,074 alleles (0.0043%); highest among the groups gnomAD compares: South Asian, 0.046%; 1 homozygote.

Submissions (4):

Labcorp Genetics (formerly Invitae), Labcorp
Classification: Likely benign for Familial hemiplegic migraine. Last evaluated: 2024-03-02. Review status: criteria provided, single submitter. Criteria: Invitae Variant Classification Sherloc (09022015). Collection method: clinical testing. Allele origin: germline.

Ambry Genetics
Classification: Likely benign for Inborn genetic diseases. Last evaluated: 2022-05-14. Review status: criteria provided, single submitter. Criteria: Ambry Variant Classification Scheme 2023. Collection method: clinical testing. Allele origin: germline.

GeneDx
Classification: Likely benign. Last evaluated: 2019-05-31. Review status: criteria provided, single submitter. Criteria: GeneDx Variant Classification Process June 2021. Collection method: clinical testing. Allele origin: germline. Affected: yes.
Comment: See Variant Classification Assertion Criteria.

PreventionGenetics, part of Exact Sciences
Classification: Likely benign for ATP1A2-related condition. Last evaluated: 2023-04-04. Review status: no assertion criteria provided. Collection method: clinical testing. Allele origin: germline. Not counted in ClinVar's aggregate classification.
Comment: This variant is classified as likely benign based on ACMG/AMP sequence variant interpretation guidelines (Richards et al. 2015 PMID: 25741868, with internal and published modifications).